The following is an entry in ClinVar:

NM_003139.4(SRPRA):c.1312-1G>A

Gene: SRPRA (SRP receptor subunit alpha; minus strand). Cytogenetic location: 11q24.2.
Variant type: single nucleotide variant.
Coding change: c.1312-1G>A on transcript NM_003139.4 (MANE Select); the canonical splice acceptor site of the intron before coding-DNA position 1312, G replaced by A.
Molecular consequence: splice acceptor variant.
Genome position (GRCh38, 1-based): chr11:126,265,173, C>T on the plus strand (G>A on the coding strand, the complement: SRPRA is on the minus strand). VCF-style: chr11-126265173-C-T. GRCh37 (hg19) VCF-style: chr11-126135068-C-T.
Other names: c.1228-1G>A (NM_001177842.2).
Identifiers: ClinVar variation 1690614 (VCV001690614.2), dbSNP rs2135238481, ClinGen allele CA383224035.

ClinVar aggregate classification (germline): Uncertain significance (1 of 4 stars; one submission).

Submission:

Laboratorio de Genetica e Diagnostico Molecular, Hospital Israelita Albert Einstein
Classification: Uncertain significance. Last evaluated: 2022-04-10. Review status: criteria provided, single submitter. Criteria: ACMG Guidelines, 2015. Collection method: clinical testing. Allele origin: germline. Affected: yes.
Comment: ACMG classification criteria: PM2